The following is an entry in ClinVar:

NM_007327.4(GRIN1):c.128G>T (p.Arg43Leu)

Gene: GRIN1 (glutamate ionotropic receptor NMDA type subunit 1; plus strand). Cytogenetic location: 9q34.3.
Variant type: single nucleotide variant.
Coding change: c.128G>T on transcript NM_007327.4 (MANE Select); coding-DNA position 128, G replaced by T.
Protein change: p.Arg43Leu; replaces arginine 43 with leucine.
Molecular consequence: missense variant.
Genome position (GRCh38, 1-based): chr9:137,139,614, G>T. VCF-style: chr9-137139614-G-T. GRCh37 (hg19) VCF-style: chr9-140034066-G-T.
Other names: c.128G>T, p.Arg43Leu (NM_000832.7, NM_001185090.2, NM_001185091.2 and 1 more transcripts); short protein forms R43L.
Identifiers: ClinVar variation 2816897 (VCV002816897.3), dbSNP rs2538507976, ClinGen allele CA375713201.
Genomic context (GRCh38, chr9:137,139,614, plus strand): 5'-ACCCCAAGATCGTCAACATTGGCGCGGTGCTGAGCACGCGGAAGCACGAGCAGATGTTCC[G>T]CGAGGCCGTGAACCAGGCCAACAAGCGGCACGGCTCCTGGAAGATTCAGCTCAATGCCAC-3'
Protein context (NP_015566.1, residues 33-53): LSTRKHEQMF[Arg43Leu]EAVNQANKRH

ClinVar aggregate classification (germline): Uncertain significance (1 of 4 stars; one submission).

Conditions:
Neurodevelopmental disorder with or without hyperkinetic movements and seizures, autosomal dominant. Also called: Intellectual disability, autosomal dominant 8. Identifiers: MedGen C3280282, MONDO:0013655, OMIM 614254.

gnomAD v4.1: 2 of 1,613,702 alleles (0.00012%); highest among the groups gnomAD compares: Non-Finnish European, 0.000085%; no homozygotes.

Submission:

Labcorp Genetics (formerly Invitae), Labcorp
Classification: Uncertain significance for Neurodevelopmental disorder with or without hyperkinetic movements and seizures, autosomal dominant. Last evaluated: 2022-11-26. Review status: criteria provided, single submitter. Criteria: Invitae Variant Classification Sherloc (09022015). Collection method: clinical testing. Allele origin: germline.
Comment: In summary, the available evidence is currently insufficient to determine the role of this variant in disease. Therefore, it has been classified as a Variant of Uncertain Significance. Algorithms developed to predict the effect of missense changes on protein structure and function (SIFT, PolyPhen-2, Align-GVGD) all suggest that this variant is likely to be tolerated. This variant has not been reported in the literature in individuals affected with GRIN1-related conditions. This variant is not present in population databases (gnomAD no frequency). This sequence change replaces arginine, which is basic and polar, with leucine, which is neutral and non-polar, at codon 43 of the GRIN1 protein (p.Arg43Leu).